The following is an entry in ClinVar:

NM_001142864.4(PIEZO1):c.1585C>T (p.Leu529=)

Genes: HSALR1 (HSP90AB1 associated lncRNA 1; plus strand), PIEZO1 (piezo type mechanosensitive ion channel component 1 (Er blood group); minus strand). Cytogenetic location: 16q24.3.
Variant type: single nucleotide variant.
Coding change: c.1585C>T on transcript NM_001142864.4 (MANE Select); coding-DNA position 1585, C replaced by T.
Protein change: p.Leu529=; no amino-acid change (leucine 529 retained).
Molecular consequence: synonymous variant.
Genome position (GRCh38, 1-based): chr16:88,735,219, G>A on the plus strand (C>T on the coding strand, the complement: PIEZO1 is on the minus strand). VCF-style: chr16-88735219-G-A. GRCh37 (hg19) VCF-style: chr16-88801627-G-A.
Other names: p.Leu529=.
Identifiers: ClinVar variation 3380435 (VCV003380435.1).

ClinVar aggregate classification (germline): Uncertain significance (1 of 4 stars; one submission).

gnomAD v4.1: 5 of 1,550,232 alleles (0.00032%); highest among the groups gnomAD compares: African/African-American, 0.0027%; no homozygotes.

Submission:

Mayo Clinic Laboratories, Mayo Clinic
Classification: Uncertain significance. Last evaluated: 2023-10-13. Review status: criteria provided, single submitter. Criteria: ACMG Guidelines, 2015. Collection method: clinical testing. Allele origin: germline. Observed: 1 variant allele.
Comment: PM2_moderate